The following is an entry in ClinVar:

NM_001042492.3(NF1):c.5890G>A (p.Asp1964Asn)

Gene: NF1 (neurofibromin 1; plus strand). Cytogenetic location: 17q11.2.
Variant type: single nucleotide variant.
Coding change: c.5890G>A on transcript NM_001042492.3 (MANE Select); coding-DNA position 5890, G replaced by A.
Protein change: p.Asp1964Asn; replaces aspartic acid 1964 with asparagine.
Molecular consequence: missense variant.
Genome position (GRCh38, 1-based): chr17:31,334,915, G>A. VCF-style: chr17-31334915-G-A. GRCh37 (hg19) VCF-style: chr17-29661933-G-A.
Other names: c.5827G>A, p.Asp1943Asn (NM_000267.4); short protein forms D1943N, D1964N.
Identifiers: ClinVar variation 2108413 (VCV002108413.4), dbSNP rs2069603632, ClinGen allele CA399010727.

ClinVar aggregate classification (germline): Uncertain significance (1 of 4 stars; one submission).

Conditions:
Neurofibromatosis, type 1 (NF1). Also called: Peripheral type neurofibromatosis; NEUROFIBROMATOSIS, TYPE I, SOMATIC; VON RECKLINGHAUSEN DISEASE; Neurofibromatosis, type I. Identifiers: Orphanet 636, MedGen C0027831, MONDO:0018975, OMIM 162200. Disease mechanism: loss of function.

Submission:

Labcorp Genetics (formerly Invitae), Labcorp
Classification: Uncertain significance for Neurofibromatosis, type 1. Last evaluated: 2022-03-10. Review status: criteria provided, single submitter. Criteria: Invitae Variant Classification Sherloc (09022015). Collection method: clinical testing. Allele origin: germline.
Comment: In summary, the available evidence is currently insufficient to determine the role of this variant in disease. Therefore, it has been classified as a Variant of Uncertain Significance. Algorithms developed to predict the effect of missense changes on protein structure and function are either unavailable or do not agree on the potential impact of this missense change (SIFT: "Deleterious"; PolyPhen-2: "Probably Damaging"; Align-GVGD: "Class C0"). This variant has not been reported in the literature in individuals affected with NF1-related conditions. This variant is not present in population databases (gnomAD no frequency). This sequence change replaces aspartic acid, which is acidic and polar, with asparagine, which is neutral and polar, at codon 1943 of the NF1 protein (p.Asp1943Asn).